The following is an entry in ClinVar:

NM_000136.3(FANCC):c.212T>A (p.Leu71Ter)

Gene: FANCC (FA complementation group C; minus strand). Cytogenetic location: 9q22.32.
Variant type: single nucleotide variant.
Coding change: c.212T>A on transcript NM_000136.3 (MANE Select); coding-DNA position 212, T replaced by A.
Protein change: p.Leu71Ter; replaces leucine 71 with a stop codon.
Molecular consequence: nonsense.
Genome position (GRCh38, 1-based): chr9:95,247,470, A>T on the plus strand (T>A on the coding strand, the complement: FANCC is on the minus strand). VCF-style: chr9-95247470-A-T. GRCh37 (hg19) VCF-style: chr9-98009752-A-T.
Other names: c.212T>A, p.Leu71Ter (NM_001243743.2, NM_001243744.2); short protein forms L71*.
Identifiers: ClinVar variation 2565545 (VCV002565545.2), dbSNP rs2542843255, ClinGen allele CA374340073.
Genomic context (GRCh38, chr9:95,247,470, plus strand): 5'-AGGACACGTTTTTGATTCTTACCATATGCTAAAATAAAAGGATTCCAACAAGCTTTTGCC[A>T]ACAGTTGACCAATTGTGGGGAATCTTTCAATGACTGTATTAGAATCCTGTGAAAGAAAAA-3'

ClinVar aggregate classification (germline): Pathogenic (1 of 4 stars; one submission).

Conditions:
Hereditary cancer-predisposing syndrome. Also called: Neoplastic Syndromes, Hereditary; Hereditary Cancer Syndrome; Hereditary neoplastic syndrome; Tumor predisposition. Identifiers: Orphanet 140162, MedGen C0027672, MeSH D009386, MONDO:0015356.

Submission:

Ambry Genetics
Classification: Pathogenic for Hereditary cancer-predisposing syndrome. Last evaluated: 2023-05-15. Review status: criteria provided, single submitter. Criteria: Ambry Variant Classification Scheme 2023. Collection method: clinical testing. Allele origin: germline.
Comment: The p.L71* pathogenic mutation (also known as c.212T>A), located in coding exon 2 of the FANCC gene, results from a T to A substitution at nucleotide position 212. This changes the amino acid from a leucine to a stop codon within coding exon 2. This variant is considered to be rare based on population cohorts in the Genome Aggregation Database (gnomAD). This alteration is expected to result in loss of function by premature protein truncation or nonsense-mediated mRNA decay. As such, this alteration is interpreted as a disease-causing mutation.